The following is an entry in ClinVar:

NM_001042492.3(NF1):c.5612C>G (p.Ser1871Ter)

Gene: NF1 (neurofibromin 1; plus strand). Cytogenetic location: 17q11.2.
Variant type: single nucleotide variant.
Coding change: c.5612C>G on transcript NM_001042492.3 (MANE Select); coding-DNA position 5612, C replaced by G.
Protein change: p.Ser1871Ter; replaces serine 1871 with a stop codon.
Molecular consequence: nonsense.
Genome position (GRCh38, 1-based): chr17:31,330,298, C>G. VCF-style: chr17-31330298-C-G. GRCh37 (hg19) VCF-style: chr17-29657316-C-G.
Other names: c.5549C>G, p.Ser1850Ter (NM_000267.4); short protein forms S1850*, S1871*.
Identifiers: ClinVar variation 2099068 (VCV002099068.5), dbSNP rs2151544392, ClinGen allele CA399010095.

ClinVar aggregate classification (germline): Pathogenic. Review status: criteria provided, multiple submitters, no conflicts (2 of 4 stars). 2 submissions from 2 submitters: Pathogenic (2). Last evaluated 2024-07-13.

Conditions:
Neurofibromatosis, type 1 (NF1). Also called: Peripheral type neurofibromatosis; NEUROFIBROMATOSIS, TYPE I, SOMATIC; VON RECKLINGHAUSEN DISEASE; Neurofibromatosis, type I. Identifiers: Orphanet 636, MedGen C0027831, MONDO:0018975, OMIM 162200. Disease mechanism: loss of function.
Hereditary cancer-predisposing syndrome. Also called: Hereditary Cancer Syndrome; Tumor predisposition; Neoplastic Syndromes, Hereditary; Hereditary neoplastic syndrome. Identifiers: Orphanet 140162, MedGen C0027672, MeSH D009386, MONDO:0015356.
Cardiovascular phenotype. Identifiers: MedGen CN230736.

gnomAD v4.1: 1 of 1,613,860 alleles (0.000062%); highest among the groups gnomAD compares: Non-Finnish European, 0.000085%; no homozygotes.

Submissions (2):

Ambry Genetics
Classification: Pathogenic for Cardiovascular phenotype; Hereditary cancer-predisposing syndrome. Last evaluated: 2024-07-13. Review status: criteria provided, single submitter. Criteria: Ambry Variant Classification Scheme 2023. Collection method: clinical testing. Allele origin: germline.
Comment: The p.S1850* pathogenic mutation (also known as c.5549C>G), located in coding exon 38 of the NF1 gene, results from a C to G substitution at nucleotide position 5549. This changes the amino acid from a serine to a stop codon within coding exon 38. This variant has been observed in multiple individuals with a personal and/or family history that is consistent with neurofibromatosis type 1 (Kang E et al. J Hum Genet, 2020 Jan;65:79-89; Ambry internal data). This variant is considered to be rare based on population cohorts in the Genome Aggregation Database (gnomAD). In addition to the clinical data presented in the literature, this alteration is expected to result in loss of function by premature protein truncation or nonsense-mediated mRNA decay. As such, this alteration is interpreted as a disease-causing mutation.

Labcorp Genetics (formerly Invitae), Labcorp
Classification: Pathogenic for Neurofibromatosis, type 1. Last evaluated: 2022-07-14. Review status: criteria provided, single submitter. Criteria: Invitae Variant Classification Sherloc (09022015). Collection method: clinical testing. Allele origin: germline.
Comment: For these reasons, this variant has been classified as Pathogenic. This premature translational stop signal has been observed in individual(s) with neurofibromatosis type 1 (PMID: 31776437). This variant is not present in population databases (gnomAD no frequency). This sequence change creates a premature translational stop signal (p.Ser1850*) in the NF1 gene. It is expected to result in an absent or disrupted protein product. Loss-of-function variants in NF1 are known to be pathogenic (PMID: 10712197, 23913538).

Literature cited by the submitters: PubMed 31776437 (cited by Ambry Genetics and Labcorp Genetics (formerly Invitae), Labcorp); PubMed 10712197 (cited by Labcorp Genetics (formerly Invitae), Labcorp); PubMed 23913538 (cited by Labcorp Genetics (formerly Invitae), Labcorp).